The following is an entry in ClinVar:

NM_000238.4(KCNH2):c.3055A>C (p.Thr1019Pro)

Gene: KCNH2 (potassium voltage-gated channel subfamily H member 2; minus strand). Cytogenetic location: 7q36.1.
Variant type: single nucleotide variant.
Coding change: c.3055A>C on transcript NM_000238.4 (MANE Select); coding-DNA position 3055, A replaced by C.
Protein change: p.Thr1019Pro; replaces threonine 1019 with proline.
Molecular consequence: missense variant. On other transcripts: non-coding transcript variant (2).
Genome position (GRCh38, 1-based): chr7:150,947,425, T>G on the plus strand (A>C on the coding strand, the complement: KCNH2 is on the minus strand). VCF-style: chr7-150947425-T-G. GRCh37 (hg19) VCF-style: chr7-150644513-T-G.
Other names: c.2767A>C, p.Thr923Pro (NM_001406753.1); c.2035A>C, p.Thr679Pro (NM_172057.3); short protein forms T1019P, T679P, T923P.
Identifiers: ClinVar variation 3073871 (VCV003073871.1), dbSNP rs1273960186, ClinGen allele CA369852799.

ClinVar aggregate classification (germline): Uncertain significance (1 of 4 stars; one submission).

Conditions:
Long QT syndrome (LQTS). Identifiers: MedGen C0023976, MeSH D008133, MONDO:0002442. Disease mechanism: loss of function. Inheritance: Various modes of inheritance.

Submission:

All of Us Research Program, National Institutes of Health
Classification: Uncertain significance for Long QT syndrome. Last evaluated: 2023-11-30. Review status: criteria provided, single submitter. Criteria: ACMG Guidelines, 2015. Collection method: clinical testing. Allele origin: germline. Inheritance: Autosomal dominant inheritance. Observed: 1 variant allele, 1 heterozygote.
Comment: This study involves interpretation of variants in research participants for the purpose of population health screening. Participant phenotype was not available at the time of variant classification. Additional details can be found in publication PMID: 35346344, PMCID: PMC8962531